The following is an entry in ClinVar:

ClinVar aggregate classification (germline): Uncertain significance. Review status: criteria provided, multiple submitters, no conflicts (2 of 4 stars). 2 submissions from 2 submitters: Uncertain significance (2). Last evaluated 2025-10-06.

Conditions:
Inborn genetic diseases. Identifiers: MedGen C0950123, MeSH D030342.

Allele frequency attached by ClinVar (database versions not stated): gnomAD 0.00001.
gnomAD v4.1: 1 of 1,613,872 alleles (0.000062%); highest among the groups gnomAD compares: African/African-American, 0.0013%; no homozygotes.

Submissions (2):

Ambry Genetics
Classification: Uncertain significance for Inborn genetic diseases. Last evaluated: 2025-10-06. Review status: criteria provided, single submitter. Criteria: Ambry Variant Classification Scheme 2023. Collection method: clinical testing. Allele origin: germline.

Labcorp Genetics (formerly Invitae), Labcorp
Classification: Uncertain significance. Last evaluated: 2022-08-31. Review status: criteria provided, single submitter. Criteria: Invitae Variant Classification Sherloc (09022015). Collection method: clinical testing. Allele origin: germline.
Comment: This sequence change replaces glutamic acid, which is acidic and polar, with glycine, which is neutral and non-polar, at codon 211 of the NDUFS1 protein (p.Glu211Gly). The frequency data for this variant in the population databases is considered unreliable, as metrics indicate poor data quality at this position in the gnomAD database. This variant has not been reported in the literature in individuals affected with NDUFS1-related conditions. Algorithms developed to predict the effect of missense changes on protein structure and function are either unavailable or do not agree on the potential impact of this missense change (SIFT: "Deleterious"; PolyPhen-2: "Probably Damaging"; Align-GVGD: "Class C0"). In summary, the available evidence is currently insufficient to determine the role of this variant in disease. Therefore, it has been classified as a Variant of Uncertain Significance.

NM_005006.7(NDUFS1):c.632A>G (p.Glu211Gly)

Gene: NDUFS1 (NADH:ubiquinone oxidoreductase core subunit S1; minus strand). Cytogenetic location: 2q33.3.
Variant type: single nucleotide variant.
Coding change: c.632A>G on transcript NM_005006.7 (MANE Select); coding-DNA position 632, A replaced by G.
Protein change: p.Glu211Gly; replaces glutamic acid 211 with glycine.
Molecular consequence: missense variant.
Genome position (GRCh38, 1-based): chr2:206,147,008, T>C on the plus strand (A>G on the coding strand, the complement: NDUFS1 is on the minus strand). VCF-style: chr2-206147008-T-C. GRCh37 (hg19) VCF-style: chr2-207011732-T-C.
Other names: c.524A>G, p.Glu175Gly (NM_001199981.2); c.299A>G, p.Glu100Gly (NM_001199982.2); c.461A>G, p.Glu154Gly (NM_001199983.2); c.674A>G, p.Glu225Gly (NM_001199984.2); c.632A>G (NM_005006.6); short protein forms E211G, E100G, E175G, E154G, E225G.
Identifiers: ClinVar variation 2182118 (VCV002182118.5), dbSNP rs1331605761, ClinGen allele CA350059849.